The following is an entry in ClinVar:

ClinVar aggregate classification (germline): Pathogenic (1 of 4 stars; one submission).

Conditions:
Brooke-Spiegler syndrome. Also called: CYLD Cutaneous Syndrome. Identifiers: Orphanet 79493, MedGen C1857941, MONDO:0011512, OMIM 605041.

Submission:

Genomic Diagnostic Laboratory, Division of Genomic Diagnostics, Children's Hospital of Philadelphia
Classification: Pathogenic for Brooke-Spiegler syndrome. Last evaluated: 2016-09-23. Review status: criteria provided, single submitter. Criteria: DGD Variant Analysis Guidelines. Collection method: clinical testing. Allele origin: germline. Affected: yes. Observed: 9 variant alleles.
Comment: Clinical Testing

NM_001378743.1(CYLD):c.2108G>A (p.Arg703Lys)

Genes: CYLD-AS2 (CYLD antisense RNA 2; minus strand), CYLD (CYLD lysine 63 deubiquitinase; plus strand). Cytogenetic location: 16q12.1.
Variant type: single nucleotide variant.
Coding change: c.2108G>A on transcript NM_001378743.1 (MANE Select); coding-DNA position 2108, G replaced by A.
Protein change: p.Arg703Lys; replaces arginine 703 with lysine.
Molecular consequence: missense variant. On other transcripts: non-coding transcript variant (1).
Genome position (GRCh38, 1-based): chr16:50,787,852, G>A. VCF-style: chr16-50787852-G-A. GRCh37 (hg19) VCF-style: chr16-50821763-G-A.
Other names: c.2099G>A, p.Arg700Lys (NM_001042355.2, NM_001042412.3, NM_001378744.1 and 6 more transcripts); c.2069G>A, p.Arg690Lys (NM_001378751.1, NM_001378752.1, NM_001378753.1); c.1433G>A, p.Arg478Lys (NM_001378754.1, NM_001378755.1); c.2108G>A, p.Arg703Lys (NM_015247.3); short protein forms R703K, R700K, R478K, R690K.
Identifiers: ClinVar variation 267245 (VCV000267245.1), dbSNP rs886040884, ClinGen allele CA10590082.
Genomic context (GRCh38, chr16:50,787,852, plus strand): 5'-AGGAATTCTTGAATATTCTGTTTCATCATATTTTAAGGGTAGAACCTTTGCTAAAAATAA[G>A]GTAACCTTTAAATTGTTCTAGAAGCATTGGAAAAATAGACAATTCTCATTTCTACTGCCA-3'
Protein context (NP_001365672.1, residues 693-713): ILRVEPLLKI[Arg703Lys]SAGQKVQDCY